The following is an entry in ClinVar:

NM_024652.6(LRRK1):c.2463C>T (p.His821=)

Genes: LRRK1 (leucine rich repeat kinase 1; plus strand), LOC126862255 (CDK7 strongly-dependent group 2 enhancer GRCh37_chr15:101567313-101568512; plus strand). Cytogenetic location: 15q26.3.
Variant type: single nucleotide variant.
Coding change: c.2463C>T on transcript NM_024652.6 (MANE Select); coding-DNA position 2463, C replaced by T.
Protein change: p.His821=; no amino-acid change (histidine 821 retained).
Molecular consequence: synonymous variant.
Genome position (GRCh38, 1-based): chr15:101,027,318, C>T. VCF-style: chr15-101027318-C-T. GRCh37 (hg19) VCF-style: chr15-101567523-C-T.
Other names: c.2463C>T (NM_024652.5).
Identifiers: ClinVar variation 1641942 (VCV001641942.34), dbSNP rs114809158, ClinGen allele CA7761246.
Genomic context (GRCh38, chr15:101,027,318, plus strand): 5'-CAGTGAGATTTCCTGCAAGAGCCTGGAAGGTCAGGAAGGGCTGCGACAGCTGATTTTCCA[C>T]GTCACGTGCAGCATGAAGGACGTGGGCAGCACCATCGGCTGCCAGCGACTGGCAGGGCGG-3'
Protein context (NP_078928.3, residues 811-831): GQEGLRQLIF[His821=]VTCSMKDVGS

ClinVar aggregate classification (germline): Benign/Likely benign. Review status: criteria provided, multiple submitters, no conflicts (2 of 4 stars). 4 submissions from 4 submitters: Benign (2); Likely benign (1). 1 of the submissions does not count toward it. Last evaluated 2026-01-26.

Conditions:
LRRK1-related disorder. Also called: LRRK1-related condition.

Allele frequency attached by ClinVar (database versions not stated): gnomAD exomes 0.00058; ExAC 0.00069; ESP Exome Variant Server 0.00200; gnomAD 0.00222 and 0.00230; TOPMed 0.00249; 1000 Genomes Project 0.00439; 1000 Genomes Project 30x 0.00531.
gnomAD v4.1: 736 of 1,614,116 alleles (0.046%); highest among the groups gnomAD compares: African/African-American, 0.76%; 3 homozygotes.

Submissions (4):

Labcorp Genetics (formerly Invitae), Labcorp
Classification: Benign. Last evaluated: 2026-01-26. Review status: criteria provided, single submitter. Criteria: Invitae Variant Classification Sherloc (09022015). Collection method: clinical testing. Allele origin: germline.

CeGaT Center for Human Genetics Tuebingen
Classification: Likely benign. Last evaluated: 2023-04-01. Review status: criteria provided, single submitter. Criteria: CeGaT Center For Human Genetics Tuebingen Variant Classification Criteria Version 2. Collection method: clinical testing. Allele origin: germline. Affected: yes. Observed: 1 variant allele.
Comment: LRRK1: BP4, BP7

Breakthrough Genomics
Classification: Benign. Review status: criteria provided, single submitter. Criteria: ACMG Guidelines, 2015. Collection method: not provided. Allele origin: germline. Inheritance: Autosomal recessive inheritance. Affected: yes.

PreventionGenetics, part of Exact Sciences
Classification: Likely benign for LRRK1-related condition. Last evaluated: 2019-03-12. Review status: no assertion criteria provided. Collection method: clinical testing. Allele origin: germline. Not counted in ClinVar's aggregate classification.
Comment: This variant is classified as likely benign based on ACMG/AMP sequence variant interpretation guidelines (Richards et al. 2015 PMID: 25741868, with internal and published modifications).